The following is an entry in ClinVar:

ClinVar aggregate classification (germline): Uncertain significance (1 of 4 stars; one submission).

Conditions:
Wilms tumor 1 (WT1). Also called: Wilms tumor, somatic. Identifiers: Orphanet 654, MedGen CN033288, MONDO:0008679, OMIM 194070.
Frasier syndrome. Identifiers: Orphanet 347, MedGen C0950122, MeSH D052159, MONDO:0007635, OMIM 136680.
Drash syndrome (DDS). Also called: NEPHROPATHY, WILMS TUMOR, AND GENITAL ANOMALIES; WILMS TUMOR AND PSEUDO- OR TRUE HERMAPHRODITISM. Identifiers: Orphanet 220, MedGen C0950121, MONDO:0008682, OMIM 194080.
11p partial monosomy syndrome (WAGR). Also called: CHROMOSOME 11p13 DELETION SYNDROME; WAGR syndrome; WAGR Complex; WAGR Spectrum Disorder. Identifiers: Orphanet 893, MedGen C0206115, MONDO:0008681, OMIM 194072.

Submission:

Labcorp Genetics (formerly Invitae), Labcorp
Classification: Uncertain significance for Wilms tumor 1; Drash syndrome; 11p partial monosomy syndrome; Frasier syndrome. Last evaluated: 2025-01-17. Review status: criteria provided, single submitter. Criteria: Invitae Variant Classification Sherloc (09022015). Collection method: clinical testing. Allele origin: germline.
Comment: This sequence change replaces glutamic acid, which is acidic and polar, with lysine, which is basic and polar, at codon 247 of the WT1 protein (p.Glu247Lys). This variant is not present in population databases (gnomAD no frequency). This variant has not been reported in the literature in individuals affected with WT1-related conditions. Invitae Evidence Modeling of protein sequence and biophysical properties (such as structural, functional, and spatial information, amino acid conservation, physicochemical variation, residue mobility, and thermodynamic stability) indicates that this missense variant is expected to disrupt WT1 protein function with a positive predictive value of 95%. In summary, the available evidence is currently insufficient to determine the role of this variant in disease. Therefore, it has been classified as a Variant of Uncertain Significance.

NM_024426.6(WT1):c.754G>A (p.Glu252Lys)

Gene: WT1 (WT1 transcription factor; minus strand). Cytogenetic location: 11p13.
Variant type: single nucleotide variant.
Coding change: c.754G>A on transcript NM_024426.6 (MANE Select); coding-DNA position 754, G replaced by A.
Protein change: p.Glu252Lys; replaces glutamic acid 252 with lysine.
Molecular consequence: missense variant. On other transcripts: 5 prime UTR variant (1), non-coding transcript variant (2), intron variant (2).
Genome position (GRCh38, 1-based): chr11:32,428,527, C>T on the plus strand (G>A on the coding strand, the complement: WT1 is on the minus strand). VCF-style: chr11-32428527-C-T. GRCh37 (hg19) VCF-style: chr11-32450073-C-T.
Other names: c.754G>A, p.Glu252Lys (NM_000378.6, NM_001407044.1, NM_001407045.1 and 4 more transcripts); c.103G>A, p.Glu35Lys (NM_001198551.2, NM_001198552.2); c.-9G>A (NM_001407051.1); c.535G>A, p.Glu179Lys (NM_001429031.1, NM_001429032.1, NM_001429033.1 and 1 more transcripts); c.662-469G>A (NM_001407050.1, NM_001407047.1); short protein forms E179K, E247K, E252K, E35K.
Identifiers: ClinVar variation 3760708 (VCV003760708.2).